The following is an entry in ClinVar:

ClinVar aggregate classification (germline): Pathogenic (1 of 4 stars; one submission).

Conditions:
Retinitis pigmentosa 25 (RP25). Identifiers: Orphanet 791, MedGen C1864446, MONDO:0011272, OMIM 602772.

Submission:

Ophthalmology, Kobe City Eye Hospital
Classification: Pathogenic for Retinitis pigmentosa 25. Last evaluated: 2025-11-28. Review status: criteria provided, single submitter. Criteria: Fujinami et al. (Jpn J Ophthalmol. 2024). Collection method: research. Allele origin: germline. Affected: yes. Observed: 1 variant allele.
Comment: This variant was classified according to the ACMG/AMP guidelines. PVS1_VeryStrong: This null variant is predicted to result in loss of normal protein function, and loss of function is an established disease mechanism for EYS-associated retinitis pigmentosa. PMIDs: 18836446, 20333770. PM2_Moderate: This variant is absent or extremely low in large population databases such as gnomAD, consistent with a recessive disease mechanism. PP1_Supporting: The variant shows cosegregation with disease in multiple affected family members, providing additional supporting evidence. Based on PVS1_VeryStrong, PM2_Moderate, PM3_Moderate, and PP1_Supporting, this variant is classified as pathogenic.

Literature cited by the submitters: 18836446, 20333770.

NM_001142800.2(EYS):c.1485_1493delinsCGAAAAG (p.Val496fs)

Gene: EYS (EGF-like photoreceptor maintenance factor; minus strand). Cytogenetic location: 6q12.
Variant type: Indel.
Coding change: c.1485_1493delinsCGAAAAG on transcript NM_001142800.2 (MANE Select); coding-DNA positions 1485 to 1493, GGTTATTGA replaced by CGAAAAG.
Protein change: p.Val496fs; shifts the reading frame from valine 496.
Molecular consequence: frameshift variant.
Genome position (GRCh38, 1-based): chr6:65,344,144-65,344,152, TCAATAACC replaced by CTTTTCG on the plus strand (GGTTATTGA replaced by CGAAAAG on the coding strand, the reverse complement: EYS is on the minus strand). VCF-style: chr6-65344144-TCAATAACC-CTTTTCG. GRCh37 (hg19) VCF-style: chr6-66054037-TCAATAACC-CTTTTCG.
Other names: c.1485_1493delinsCGAAAAG, p.Val496fs (NM_001142801.2, NM_001292009.2, NM_198283.2); short protein forms V496fs.
Identifiers: ClinVar variation 4536623 (VCV004536623.1).